The following is an entry in ClinVar:

ClinVar aggregate classification (germline): Uncertain significance (1 of 4 stars; one submission).

Conditions:
DZIP1L-related disorder. Also called: DZIP1L-related condition.

gnomAD v4.1: 4 of 1,554,158 alleles (0.00026%); highest among the groups gnomAD compares: Non-Finnish European, 0.00035%; no homozygotes.

Submission:

PreventionGenetics, part of Exact Sciences
Classification: Uncertain significance for DZIP1L-related condition. Last evaluated: 2025-12-10. Review status: criteria provided, single submitter. Criteria: ACMG Guidelines, 2015. Collection method: clinical testing. Allele origin: germline.
Comment: The DZIP1L c.869A>G variant is predicted to result in the amino acid substitution p.Glu290Gly. To our knowledge, this variant has not been reported in the literature. This variant is reported in 0.0% of alleles in individuals of African descent in gnomAD. At this time, the clinical significance of this variant is uncertain due to the absence of conclusive functional and genetic evidence.

NM_173543.3(DZIP1L):c.869A>G (p.Glu290Gly)

Gene: DZIP1L (DAZ interacting zinc finger protein 1 like; minus strand). Cytogenetic location: 3q22.3.
Variant type: single nucleotide variant.
Coding change: c.869A>G on transcript NM_173543.3 (MANE Select); coding-DNA position 869, A replaced by G.
Protein change: p.Glu290Gly; replaces glutamic acid 290 with glycine.
Molecular consequence: missense variant.
Genome position (GRCh38, 1-based): chr3:138,092,384, T>C on the plus strand (A>G on the coding strand, the complement: DZIP1L is on the minus strand). VCF-style: chr3-138092384-T-C. GRCh37 (hg19) VCF-style: chr3-137811226-T-C.
Other names: c.869A>G, p.Glu290Gly (NM_001170538.1); short protein forms E290G.
Identifiers: ClinVar variation 4977166 (VCV004977166.1).